The following is an entry in ClinVar:

NM_002547.3(OPHN1):c.597+1del

Gene: OPHN1 (oligophrenin 1; minus strand). Cytogenetic location: Xq12.
Variant type: Deletion.
Coding change: c.597+1del on transcript NM_002547.3 (MANE Select); the canonical splice donor site of the intron after coding-DNA position 597, one base deleted (G; older notation c.597+1delG).
Molecular consequence: splice donor variant.
Genome position (GRCh38, 1-based): chrX:68,213,861, C deleted on the plus strand (G on the coding strand, the reverse complement: OPHN1 is on the minus strand). VCF-style (leftmost placement, unchanged base first): chrX-68213860-AC-A. GRCh37 (hg19) VCF-style: chrX-67433702-AC-A.
Identifiers: ClinVar variation 2444857 (VCV002444857.1), dbSNP rs2519807886, ClinGen allele CA2580101284.

ClinVar aggregate classification (germline): Likely pathogenic (1 of 4 stars; one submission).

Conditions:
Intellectual developmental disorder, X-linked, syndromic, Billuart type. Also called: MENTAL RETARDATION, X-LINKED 60; X-linked intellectual disability-cerebellar hypoplasia syndrome. Identifiers: Orphanet 137831, MedGen C1845366, MONDO:0010337, OMIM 300486.

Submission:

Pediatrics, Sichuan Provincial Hospital For Women And Children
Classification: Likely pathogenic for Intellectual developmental disorder, X-linked, syndromic, Billuart type. Last evaluated: 2022-06-10. Review status: criteria provided, single submitter. Criteria: ACMG Guidelines, 2015. Collection method: research. Allele origin: maternal. Inheritance: X-linked dominant inheritance. Affected: yes. Observed: 1 hemizygote.